The following is an entry in ClinVar:

ClinVar aggregate classification (germline): Uncertain significance (1 of 4 stars; one submission).

Submission:

GeneDx
Classification: Uncertain significance. Last evaluated: 2023-11-01. Review status: criteria provided, single submitter. Criteria: GeneDx Variant Classification Process June 2021. Collection method: clinical testing. Allele origin: germline. Affected: yes.
Comment: Not observed at significant frequency in large population cohorts (gnomAD); In silico analysis supports that this missense variant has a deleterious effect on protein structure/function; Has not been previously published as pathogenic or benign to our knowledge

NM_001368067.1(LDB3):c.785C>T (p.Pro262Leu)

Gene: LDB3 (LIM domain binding 3; plus strand). Cytogenetic location: 10q23.2.
Variant type: single nucleotide variant.
Coding change: c.785C>T on transcript NM_001368067.1 (MANE Plus Clinical); coding-DNA position 785, C replaced by T.
Protein change: p.Pro262Leu; replaces proline 262 with leucine.
Molecular consequence: missense variant. On other transcripts: intron variant (6).
Genome position (GRCh38, 1-based): chr10:86,699,307, C>T. VCF-style: chr10-86699307-C-T. GRCh37 (hg19) VCF-style: chr10-88459064-C-T.
Other names: c.926C>T, p.Pro309Leu (NM_001080115.2, NM_001368063.1); c.785C>T, p.Pro262Leu (NM_001080116.1, NM_001368068.1); c.1130C>T, p.Pro377Leu (NM_001171611.2); c.896+6736C>T (NM_001368064.1, NM_007078.3, NM_001368065.1); c.1100+6736C>T (NM_001171610.2); c.755+6736C>T (NM_001368066.1, NM_001080114.2); short protein forms P262L, P309L, P377L.
Identifiers: ClinVar variation 3363676 (VCV003363676.1).